The following is an entry in ClinVar:

NM_016006.6(ABHD5):c.482C>T (p.Ala161Val)

Gene: ABHD5 (abhydrolase domain containing 5, lysophosphatidic acid acyltransferase; plus strand). Cytogenetic location: 3p21.33.
Variant type: single nucleotide variant.
Coding change: c.482C>T on transcript NM_016006.6 (MANE Select); coding-DNA position 482, C replaced by T.
Protein change: p.Ala161Val; replaces alanine 161 with valine.
Molecular consequence: missense variant. On other transcripts: non-coding transcript variant (1).
Genome position (GRCh38, 1-based): chr3:43,702,563, C>T. VCF-style: chr3-43702563-C-T. GRCh37 (hg19) VCF-style: chr3-43744055-C-T.
Other names: c.482C>T, p.Ala161Val (NM_001355186.2, NM_001365650.1); c.359C>T, p.Ala120Val (NM_001365649.1); short protein forms A120V, A161V.
Identifiers: ClinVar variation 1916112 (VCV001916112.4), dbSNP rs2084557528, ClinGen allele CA352346270.

ClinVar aggregate classification (germline): Uncertain significance (1 of 4 stars; one submission).

Allele frequency attached by ClinVar (database versions not stated): gnomAD exomes below 0.00001; TOPMed below 0.00001.
gnomAD v4.1: 3 of 1,614,202 alleles (0.00019%); highest among the groups gnomAD compares: Non-Finnish European, 0.00025%; no homozygotes.

Submission:

Labcorp Genetics (formerly Invitae), Labcorp
Classification: Uncertain significance. Last evaluated: 2024-02-24. Review status: criteria provided, single submitter. Criteria: Invitae Variant Classification Sherloc (09022015). Collection method: clinical testing. Allele origin: germline.
Comment: This sequence change replaces alanine, which is neutral and non-polar, with valine, which is neutral and non-polar, at codon 161 of the ABHD5 protein (p.Ala161Val). This variant is not present in population databases (gnomAD no frequency). This variant has not been reported in the literature in individuals affected with ABHD5-related conditions. ClinVar contains an entry for this variant (Variation ID: 1916112). Advanced modeling of protein sequence and biophysical properties (such as structural, functional, and spatial information, amino acid conservation, physicochemical variation, residue mobility, and thermodynamic stability) performed at Invitae indicates that this missense variant is not expected to disrupt ABHD5 protein function with a negative predictive value of 80%. In summary, the available evidence is currently insufficient to determine the role of this variant in disease. Therefore, it has been classified as a Variant of Uncertain Significance.